The following is an entry in ClinVar:

NM_012258.4(HEY1):c.18C>G (p.Pro6=)

Gene: HEY1 (hes related family bHLH transcription factor with YRPW motif 1; minus strand). Cytogenetic location: 8q21.13.
Variant type: single nucleotide variant.
Coding change: c.18C>G on transcript NM_012258.4 (MANE Select); coding-DNA position 18, C replaced by G.
Protein change: p.Pro6=; no amino-acid change (proline 6 retained).
Molecular consequence: synonymous variant.
Genome position (GRCh38, 1-based): chr8:79,767,646, G>C on the plus strand (C>G on the coding strand, the complement: HEY1 is on the minus strand). VCF-style: chr8-79767646-G-C. GRCh37 (hg19) VCF-style: chr8-80679881-G-C.
Other names: c.18C>G, p.Pro6= (NM_001040708.2).
Identifiers: ClinVar variation 3033550 (VCV003033550.2), dbSNP rs28445365, ClinGen allele CA4789865.

ClinVar aggregate classification (germline): Benign (0 of 4 stars; one submission).

Conditions:
HEY1-related disorder. Also called: HEY1-related condition.

Allele frequency attached by ClinVar (database versions not stated): ExAC 0.00167; 1000 Genomes Project 0.00260; ESP Exome Variant Server 0.00323; gnomAD 0.00338; 1000 Genomes Project 30x 0.00344; TOPMed 0.00369.
gnomAD v4.1: 978 of 1,604,312 alleles (0.061%); highest among the groups gnomAD compares: African/African-American, 1.1%; 4 homozygotes.

Submission:

PreventionGenetics, part of Exact Sciences
Classification: Benign for HEY1-related condition. Last evaluated: 2019-02-28. Review status: no assertion criteria provided. Collection method: clinical testing. Allele origin: germline.
Comment: This variant is classified as benign based on ACMG/AMP sequence variant interpretation guidelines (Richards et al. 2015 PMID: 25741868, with internal and published modifications).